The following is an entry in ClinVar:

NM_001244008.2(KIF1A):c.3901+416G>T

Genes: KIF1A (kinesin family member 1A; minus strand), LOC126806583 (P300/CBP strongly-dependent group 1 enhancer GRCh37_chr2:241678910-241680109; plus strand). Cytogenetic location: 2q37.3.
Variant type: single nucleotide variant.
Coding change: c.3901+416G>T on transcript NM_001244008.2 (MANE Select); 416 bases into the intron after coding-DNA position 3901, G replaced by T.
Molecular consequence: intron variant. On other transcripts: missense variant (1).
Genome position (GRCh38, 1-based): chr2:240,739,642, C>A on the plus strand (G>T on the coding strand, the complement: KIF1A is on the minus strand). VCF-style: chr2-240739642-C-A. GRCh37 (hg19) VCF-style: chr2-241679059-C-A.
Other names: c.3626G>T, p.Arg1209Leu (NM_001379636.1); c.3598+416G>T (NM_001379653.1, NM_001379650.1, NM_001379641.1 and 4 more transcripts); c.3874+416G>T (NM_001379645.1, NM_001379633.1, NM_001379642.1); c.3700+416G>T (NM_001379635.1, NM_001330290.2, NM_001379646.1 and 1 more transcripts); c.3595+416G>T (NM_001379640.1); c.3850+416G>T (NM_001379632.1); c.3673+416G>T (NM_001379637.1, NM_001379648.1); c.3625+416G>T (NM_001320705.2, NM_001379638.1, NM_001330289.2); and 1 more; short protein forms R1209L.
Identifiers: ClinVar variation 4881934 (VCV004881934.2).

ClinVar aggregate classification (germline): Uncertain significance (1 of 4 stars; one submission).

Submission:

Dasa
Classification: Uncertain significance. Last evaluated: 2025-10-09. Review status: criteria provided, single submitter. Criteria: DASA Assertion Criteria. Collection method: clinical testing. Allele origin: germline.
Comment: NM_001379636.1(KIF1A):c.3626G>T (p.Arg1209Leu) is a missense variant that results in the substitution of arginine with leucine. This variant is absent from population databases. The currently available literature and clinical evidence are not sufficient to establish a definitive association between this variant and the reported condition. Therefore, this variant is classified as a variant of uncertain significance.